The following is an entry in ClinVar:

ClinVar aggregate classification (germline): Pathogenic. Review status: criteria provided, multiple submitters, no conflicts (2 of 4 stars). 2 submissions from 2 submitters: Pathogenic (2). Last evaluated 2024-01-18.

Conditions:
Familial cancer of breast. Also called: Hereditary breast cancer; BREAST CANCER, FAMILIAL; hereditary breast carcinoma. Identifiers: Orphanet 227535, MedGen C0346153, MONDO:0016419, OMIM 114480. Disease mechanism: loss of function.
Ataxia-telangiectasia syndrome (AT). Also called: ATAXIA-TELANGIECTASIA, COMPLEMENTATION GROUP A; Ataxia telangiectasia (A-T); Cerebello-oculocutaneous telangiectasia; Immunodeficiency with ataxia telangiectasia; LOUIS-BAR SYNDROME; ATAXIA-TELANGIECTASIA, FRESNO VARIANT. Identifiers: Orphanet 100, MedGen C0004135, MONDO:0008840, OMIM 208900.

Submissions (2):

Myriad Genetics, Inc.
Classification: Pathogenic for Familial cancer of breast. Last evaluated: 2024-01-18. Review status: criteria provided, single submitter. Criteria: Myriad Autosomal Dominant, Autosomal Recessive and X-Linked Classification Criteria (2023). Collection method: clinical testing. Allele origin: unknown.
Comment: This variant is considered pathogenic. This variant creates a frameshift predicted to result in premature protein truncation.

Labcorp Genetics (formerly Invitae), Labcorp
Classification: Pathogenic for Ataxia-telangiectasia syndrome. Last evaluated: 2023-11-11. Review status: criteria provided, single submitter. Criteria: Invitae Variant Classification Sherloc (09022015). Collection method: clinical testing. Allele origin: germline.
Comment: This sequence change creates a premature translational stop signal (p.Pro862Leufs*18) in the ATM gene. It is expected to result in an absent or disrupted protein product. Loss-of-function variants in ATM are known to be pathogenic (PMID: 23807571, 25614872). This variant is not present in population databases (gnomAD no frequency). This variant has not been reported in the literature in individuals affected with ATM-related conditions. For these reasons, this variant has been classified as Pathogenic.

Literature cited by the submitters: PubMed 23807571 (cited by Labcorp Genetics (formerly Invitae), Labcorp); PubMed 25614872 (cited by Labcorp Genetics (formerly Invitae), Labcorp).

NM_000051.4(ATM):c.2585del (p.Pro862fs)

Gene: ATM (ATM serine/threonine kinase; plus strand). Cytogenetic location: 11q22.3.
Variant type: Deletion.
Coding change: c.2585del on transcript NM_000051.4 (MANE Select); coding-DNA position 2585, one base deleted (C; older notation c.2585delC).
Protein change: p.Pro862fs; shifts the reading frame from proline 862.
Molecular consequence: frameshift variant.
Genome position (GRCh38, 1-based): chr11:108,267,289, C deleted; the last of 3 consecutive C bases (chr11:108,267,287-108,267,289); deleting any one gives the same sequence. VCF-style (leftmost placement, unchanged base first): chr11-108267286-AC-A. GRCh37 (hg19) VCF-style: chr11-108138013-AC-A.
Other names: c.2585del, p.Pro862fs (NM_001351834.2); short protein forms P862fs.
Identifiers: ClinVar variation 2817771 (VCV002817771.4), dbSNP rs2497596998, ClinGen allele CA2739270943.